The following is an entry in ClinVar:

NM_006231.4(POLE):c.5740C>G (p.Leu1914Val)

Gene: POLE (DNA polymerase epsilon, catalytic subunit; minus strand). Cytogenetic location: 12q24.33.
Variant type: single nucleotide variant.
Coding change: c.5740C>G on transcript NM_006231.4 (MANE Select); coding-DNA position 5740, C replaced by G.
Protein change: p.Leu1914Val; replaces leucine 1914 with valine.
Molecular consequence: missense variant.
Genome position (GRCh38, 1-based): chr12:132,635,963, G>C on the plus strand (C>G on the coding strand, the complement: POLE is on the minus strand). VCF-style: chr12-132635963-G-C. GRCh37 (hg19) VCF-style: chr12-133212549-G-C.
Other names: c.5740C>G (NM_006231.2); short protein forms L1914V.
Identifiers: ClinVar variation 2850579 (VCV002850579.4), dbSNP rs1398868897, ClinGen allele CA387373062.

ClinVar aggregate classification (germline): Uncertain significance. Review status: criteria provided, multiple submitters, no conflicts (2 of 4 stars). 2 submissions from 2 submitters: Uncertain significance (2). Last evaluated 2024-08-28.

Conditions:
Hereditary cancer-predisposing syndrome. Also called: Neoplastic Syndromes, Hereditary; Hereditary Cancer Syndrome; Tumor predisposition; Hereditary neoplastic syndrome. Identifiers: Orphanet 140162, MedGen C0027672, MeSH D009386, MONDO:0015356.

Allele frequency attached by ClinVar (database versions not stated): gnomAD exomes below 0.00001.
gnomAD v4.1: 1 of 1,613,986 alleles (0.000062%); highest among the groups gnomAD compares: Non-Finnish European, 0.000085%; no homozygotes.

Submissions (2):

Ambry Genetics
Classification: Uncertain significance for Hereditary cancer-predisposing syndrome. Last evaluated: 2024-08-28. Review status: criteria provided, single submitter. Criteria: Ambry Variant Classification Scheme 2023. Collection method: clinical testing. Allele origin: germline.
Comment: The p.L1914V variant (also known as c.5740C>G), located in coding exon 42 of the POLE gene, results from a C to G substitution at nucleotide position 5740. The leucine at codon 1914 is replaced by valine, an amino acid with highly similar properties. This amino acid position is conserved. In addition, this alteration is predicted to be deleterious by in silico analysis. Based on the available evidence, the clinical significance of this variant remains unclear.

Labcorp Genetics (formerly Invitae), Labcorp
Classification: Uncertain significance. Last evaluated: 2023-03-29. Review status: criteria provided, single submitter. Criteria: Invitae Variant Classification Sherloc (09022015). Collection method: clinical testing. Allele origin: germline.
Comment: This variant has not been reported in the literature in individuals affected with POLE-related conditions. In summary, the available evidence is currently insufficient to determine the role of this variant in disease. Therefore, it has been classified as a Variant of Uncertain Significance. Advanced modeling of protein sequence and biophysical properties (such as structural, functional, and spatial information, amino acid conservation, physicochemical variation, residue mobility, and thermodynamic stability) has been performed at Invitae for this missense variant, however the output from this modeling did not meet the statistical confidence thresholds required to predict the impact of this variant on POLE protein function. The frequency data for this variant in the population databases is considered unreliable, as metrics indicate poor data quality at this position in the gnomAD database. This sequence change replaces leucine, which is neutral and non-polar, with valine, which is neutral and non-polar, at codon 1914 of the POLE protein (p.Leu1914Val).